The following is an entry in ClinVar:

ClinVar aggregate classification (germline): Benign. Review status: criteria provided, multiple submitters, no conflicts (2 of 4 stars). 2 submissions from 2 submitters: Benign (2). Last evaluated 2023-11-12.

Allele frequency attached by ClinVar (database versions not stated): TOPMed 0.44076; gnomAD exomes 0.44476; 1000 Genomes Project 0.45048; 1000 Genomes Project 30x 0.45878; gnomAD 0.50986 and 0.51036.

Submissions (2):

Unidad de Genómica Garrahan, Hospital de Pediatría Garrahan
Classification: Benign. Last evaluated: 2023-11-12. Review status: criteria provided, single submitter. Criteria: ACMG Guidelines, 2015. Collection method: clinical testing. Allele origin: germline. Affected: no. Observed: 64 variant alleles.
Comment: This variant is classified as Benign based on local population frequency. This variant was detected in 67% of patients studied by a panel of primary immunodeficiencies. Number of patients: 64. Only high quality variants are reported.

GeneDx
Classification: Benign. Last evaluated: 2021-05-14. Review status: criteria provided, single submitter. Criteria: GeneDx Variant Classification Process June 2021. Collection method: clinical testing. Allele origin: germline. Affected: yes.

NM_002661.5(PLCG2):c.431+81_431+83del

Gene: PLCG2 (phospholipase C gamma 2; plus strand). Cytogenetic location: 16q23.3.
Variant type: Deletion.
Coding change: c.431+81_431+83del on transcript NM_002661.5 (MANE Select); bases 81 to 83 of the intron after coding-DNA position 431, 3 bases deleted (GGA; older notation c.431+81_431+83delGGA).
Molecular consequence: intron variant.
Genome position (GRCh38, 1-based): chr16:81,858,437-81,858,439, GGA deleted. VCF-style (leftmost placement, unchanged base first): chr16-81858436-GGGA-G. GRCh37 (hg19) VCF-style: chr16-81892041-GGGA-G.
Identifiers: ClinVar variation 1239566 (VCV001239566.5), dbSNP rs5818357, ClinGen allele CA285173818.